The following is an entry in ClinVar:

NC_000012.11:g.(?_57897988)_(57898102_?)del

Gene: MARS1 (methionyl-tRNA synthetase 1; plus strand). Cytogenetic location: 12q13.3.
Variant type: Deletion.
Identifiers: ClinVar variation 3244337 (VCV003244337.1).

ClinVar aggregate classification (germline): Uncertain significance (1 of 4 stars; one submission).

Conditions:
Severe early-onset pulmonary alveolar proteinosis due to MARS deficiency. Also called: PULMONARY ALVEOLAR PROTEINOSIS, REUNION ISLAND; Interstitial lung and liver disease. Identifiers: Orphanet 440427, MedGen C4225400, MONDO:0014206, OMIM 615486.
Charcot-Marie-Tooth disease axonal type 2U. Also called: CHARCOT-MARIE-TOOTH NEUROPATHY, TYPE 2U; CHARCOT-MARIE-TOOTH DISEASE, AXONAL, AUTOSOMAL DOMINANT, TYPE 2U. Identifiers: Orphanet 397735, MedGen C4084821, MONDO:0014566, OMIM 616280.

Submission:

Labcorp Genetics (formerly Invitae), Labcorp
Classification: Uncertain significance for Charcot-Marie-Tooth disease axonal type 2U; Severe early-onset pulmonary alveolar proteinosis due to MARS deficiency. Last evaluated: 2023-07-22. Review status: criteria provided, single submitter. Criteria: Invitae Variant Classification Sherloc (09022015). Collection method: clinical testing. Allele origin: unknown.
Comment: In summary, the available evidence is currently insufficient to determine the role of this variant in disease. Therefore, it has been classified as a Variant of Uncertain Significance. Experimental studies and prediction algorithms are not available or were not evaluated, and the functional significance of this variant is currently unknown. This variant has not been reported in the literature in individuals affected with MARS-related conditions. This variant is a gross deletion of the genomic region encompassing exon(s) 11 of the MARS gene. This variant would be expected to be in-frame, preserving the integrity of the reading frame.